The following is an entry in ClinVar:

NM_177924.5(ASAH1):c.126-1894T>C

Gene: ASAH1 (N-acylsphingosine amidohydrolase 1; minus strand). Cytogenetic location: 8p22.
Variant type: single nucleotide variant.
Coding change: c.126-1894T>C on transcript NM_177924.5 (MANE Select); 1894 bases into the intron before coding-DNA position 126, T replaced by C.
Molecular consequence: intron variant.
Genome position (GRCh38, 1-based): chr8:18,073,284, A>G on the plus strand (T>C on the coding strand, the complement: ASAH1 is on the minus strand). VCF-style: chr8-18073284-A-G. GRCh37 (hg19) VCF-style: chr8-17930793-A-G.
Other names: c.174-1894T>C (NM_004315.6); c.174-8T>C (NM_001127505.3); c.-70-1894T>C (NM_001363743.2).
Identifiers: ClinVar variation 3032090 (VCV003032090.2), dbSNP rs2537968682, ClinGen allele CA2686322975.
Genomic context (GRCh38, chr8:18,073,284, plus strand): 5'-CCATTTCCCCATAAGAATAAAAGAGTATCCACCTTATAACAGCAGGGAAGACACTATATG[A>G]AAAATGCAAAAATAAAAAAAACACTTAGCAGCATTGGTATTCAATCAACAGTAGTCATCA-3'

ClinVar aggregate classification (germline): Likely benign (0 of 4 stars; one submission).

Conditions:
ASAH1-related disorders. Also called: ASAH1-related condition; ASAH1-related disorder. Identifiers: MedGen CN376120, MONDO:0800460.

Allele frequency attached by ClinVar (database versions not stated): gnomAD exomes below 0.00001.
gnomAD v4.1: 1 of 1,574,040 alleles (0.000064%); highest among the groups gnomAD compares: Non-Finnish European, 0.000087%; no homozygotes.

Submission:

PreventionGenetics, part of Exact Sciences
Classification: Likely benign for ASAH1-related condition. Last evaluated: 2020-10-27. Review status: no assertion criteria provided. Collection method: clinical testing. Allele origin: germline.
Comment: This variant is classified as likely benign based on ACMG/AMP sequence variant interpretation guidelines (Richards et al. 2015 PMID: 25741868, with internal and published modifications).